The following is an entry in ClinVar:

ClinVar aggregate classification (germline): Pathogenic. Review status: criteria provided, multiple submitters, no conflicts (2 of 4 stars). 2 submissions from 2 submitters: Pathogenic (2). Last evaluated 2024-04-02.

Conditions:
Hereditary cancer-predisposing syndrome. Also called: Neoplastic Syndromes, Hereditary; Tumor predisposition; Hereditary neoplastic syndrome; Hereditary Cancer Syndrome. Identifiers: Orphanet 140162, MedGen C0027672, MeSH D009386, MONDO:0015356.
Hereditary breast ovarian cancer syndrome. Also called: Hereditary breast and ovarian cancer syndrome; Hereditary breast and ovarian cancer; Hereditary breast and ovarian cancer syndrome (HBOC); Breast and ovarian cancer; Hereditary breast and/or ovarian cancer syndrome; BRCA1- and BRCA2-Associated Hereditary Breast and Ovarian Cancer. Identifiers: Orphanet 145, MedGen C0677776, MeSH D061325, MONDO:0003582. Disease mechanism: loss of function.

Submissions (2):

Labcorp Genetics (formerly Invitae), Labcorp
Classification: Pathogenic for Hereditary breast ovarian cancer syndrome. Last evaluated: 2024-04-02. Review status: criteria provided, single submitter. Criteria: Invitae Variant Classification Sherloc (09022015). Collection method: clinical testing. Allele origin: germline.
Comment: This sequence change creates a premature translational stop signal (p.Ser1245Thrfs*19) in the BRCA1 gene. It is expected to result in an absent or disrupted protein product. Loss-of-function variants in BRCA1 are known to be pathogenic (PMID: 20104584). This variant is not present in population databases (gnomAD no frequency). This variant has not been reported in the literature in individuals affected with BRCA1-related conditions. ClinVar contains an entry for this variant (Variation ID: 824142). For these reasons, this variant has been classified as Pathogenic.

Ambry Genetics
Classification: Pathogenic for Hereditary cancer-predisposing syndrome. Last evaluated: 2019-03-12. Review status: criteria provided, single submitter. Criteria: Ambry Variant Classification Scheme 2023. Collection method: clinical testing. Allele origin: germline.
Comment: The c.3734delG pathogenic mutation, located in coding exon 9 of the BRCA1 gene, results from a deletion of one nucleotide at nucleotide position 3734, causing a translational frameshift with a predicted alternate stop codon (p.S1245Tfs*19). This alteration is expected to result in loss of function by premature protein truncation or nonsense-mediated mRNA decay. As such, this alteration is interpreted as a disease-causing mutation.

Literature cited by the submitters: PubMed 20104584 (cited by Labcorp Genetics (formerly Invitae), Labcorp).

NM_007294.4(BRCA1):c.3734del (p.Ser1245fs)

Genes: BRCA1 (BRCA1 DNA repair associated; minus strand), LOC126862571 (BRD4-independent group 4 enhancer GRCh37_chr17:41243136-41244335; plus strand). Cytogenetic location: 17q21.31.
Variant type: Deletion.
Coding change: c.3734del on transcript NM_007294.4 (MANE Select); coding-DNA position 3734, one base deleted (G; older notation c.3734delG).
Protein change: p.Ser1245fs; shifts the reading frame from serine 1245.
Molecular consequence: frameshift variant. On other transcripts: intron variant (135).
Genome position (GRCh38, 1-based): chr17:43,091,797, C deleted on the plus strand (G on the coding strand, the reverse complement: BRCA1 is on the minus strand). VCF-style (leftmost placement, unchanged base first): chr17-43091796-GC-G. GRCh37 (hg19) VCF-style: chr17-41243813-GC-G.
Other names: c.3524del, p.Ser1175fs (NM_001407902.1, NM_001407908.1, NM_001407906.1 and 13 more transcripts); c.3734del (NM_007294.3); c.3734del, p.Ser1245fs (NM_001407854.1, NM_001407858.1, NM_001407859.1 and 30 more transcripts); c.3731del, p.Ser1244fs (NM_001407860.1, NM_001407861.1, NM_001407587.1 and 22 more transcripts); c.3533del, p.Ser1178fs (NM_001407862.1); c.3611del, p.Ser1204fs (NM_001407863.1, NM_001407919.1, NM_001407937.1 and 19 more transcripts); c.3530del, p.Ser1177fs (NM_001407874.1, NM_001407875.1); c.3521del, p.Ser1174fs (NM_001407894.1, NM_001407895.1, NM_001407896.1 and 9 more transcripts); and 42 more; short protein forms S1198fs, S1245fs, S1133fs, S1178fs, S1242fs, S1244fs, S1117fs, S1156fs.
Identifiers: ClinVar variation 824142 (VCV000824142.13), dbSNP rs1597861739, ClinGen allele CA915950120.